The following is an entry in ClinVar:

ClinVar aggregate classification (germline): Conflicting classifications of pathogenicity. Review status: criteria provided, conflicting classifications (1 of 4 stars). 2 submissions from 2 submitters: Likely pathogenic (1); Uncertain significance (1). Last evaluated 2023-12-28.

Conditions:
CDC42BPB-related neurodevelopmental syndrome.

Allele frequency attached by ClinVar (database versions not stated): gnomAD 0.00001; gnomAD exomes 0.00001; TOPMed 0.00001.
gnomAD v4.1: 6 of 1,611,434 alleles (0.00037%); highest among the groups gnomAD compares: Admixed American, 0.005%; no homozygotes.

Submissions (2):

GeneDx
Classification: Uncertain significance. Last evaluated: 2023-12-28. Review status: criteria provided, single submitter. Criteria: GeneDx Variant Classification Process June 2021. Collection method: clinical testing. Allele origin: germline. Affected: yes.
Comment: In silico analysis supports that this missense variant has a deleterious effect on protein structure/function; This variant is associated with the following publications: (PMID: 32031333)

Wendy Chung Laboratory, Boston Children's Hospital
Classification: Likely pathogenic for CDC42BPB-related neurodevelopmental syndrome. Last evaluated: 2019-09-10. Review status: criteria provided, single submitter. Criteria: ACMG Guidelines, 2015. Collection method: research. Allele origin: de novo. Affected: yes. Observed: 1 variant allele.

NM_006035.4(CDC42BPB):c.424G>A (p.Ala142Thr)

Gene: CDC42BPB (CDC42 binding protein kinase beta; minus strand). Cytogenetic location: 14q32.32.
Variant type: single nucleotide variant.
Coding change: c.424G>A on transcript NM_006035.4 (MANE Select); coding-DNA position 424, G replaced by A.
Protein change: p.Ala142Thr; replaces alanine 142 with threonine.
Molecular consequence: missense variant.
Genome position (GRCh38, 1-based): chr14:103,003,951, C>T on the plus strand (G>A on the coding strand, the complement: CDC42BPB is on the minus strand). VCF-style: chr14-103003951-C-T. GRCh37 (hg19) VCF-style: chr14-103470288-C-T.
Other names: c.424G>A (NM_006035.3); short protein forms A142T.
Identifiers: ClinVar variation 694461 (VCV000694461.4), dbSNP rs1198710710, ClinGen allele CA391072599.